The following is an entry in ClinVar:

ClinVar aggregate classification (germline): Uncertain significance (1 of 4 stars; one submission).

Allele frequency attached by ClinVar (database versions not stated): TOPMed below 0.00001; ExAC 0.00001; gnomAD 0.00001; 1000 Genomes Project 30x 0.00016.
gnomAD v4.1: 15 of 1,613,938 alleles (0.00093%); highest among the groups gnomAD compares: African/African-American, 0.0027%; no homozygotes.

Submission:

Labcorp Genetics (formerly Invitae), Labcorp
Classification: Uncertain significance. Last evaluated: 2022-12-30. Review status: criteria provided, single submitter. Criteria: Invitae Variant Classification Sherloc (09022015). Collection method: clinical testing. Allele origin: germline.
Comment: The frequency data for this variant in the population databases is considered unreliable, as metrics indicate poor data quality at this position in the gnomAD database. This sequence change replaces tyrosine, which is neutral and polar, with cysteine, which is neutral and slightly polar, at codon 211 of the POLD2 protein (p.Tyr211Cys). This variant has not been reported in the literature in individuals affected with POLD2-related conditions. In summary, the available evidence is currently insufficient to determine the role of this variant in disease. Therefore, it has been classified as a Variant of Uncertain Significance. Algorithms developed to predict the effect of missense changes on protein structure and function are either unavailable or do not agree on the potential impact of this missense change (SIFT: "Tolerated"; PolyPhen-2: "Not Available"; Align-GVGD: "Class C25").

NM_006230.4(POLD2):c.527A>G (p.Tyr176Cys)

Gene: POLD2 (DNA polymerase delta 2, accessory subunit; minus strand). Cytogenetic location: 7p13.
Variant type: single nucleotide variant.
Coding change: c.527A>G on transcript NM_006230.4 (MANE Select); coding-DNA position 527, A replaced by G.
Protein change: p.Tyr176Cys; replaces tyrosine 176 with cysteine.
Molecular consequence: missense variant.
Genome position (GRCh38, 1-based): chr7:44,117,187, T>C on the plus strand (A>G on the coding strand, the complement: POLD2 is on the minus strand). VCF-style: chr7-44117187-T-C. GRCh37 (hg19) VCF-style: chr7-44156786-T-C.
Other names: c.527A>G, p.Tyr176Cys (NM_001127218.3, NM_001256879.2); short protein forms Y176C.
Identifiers: ClinVar variation 2417929 (VCV002417929.5), dbSNP rs767479491, ClinGen allele CA4238821.
Genomic context (GRCh38, chr7:44,117,187, plus strand): 5'-GCTCACCTATCTGTGTCAAGTGGGGGTGCGGGCTTCTGGGGAGCAAGGTCAGCAAAGCAA[T>C]AGTCCTCCACCAGAAACTTCCCGTCGTCTCTCACGGAGCCAAACACAGCCAGGACAGTCC-3'
Protein context (NP_006221.3, residues 166-186): RDDGKFLVED[Tyr176Cys]CFADLAPQKP